The following is an entry in ClinVar:

ClinVar aggregate classification (germline): Uncertain significance (1 of 4 stars; one submission).

Submission:

Labcorp Genetics (formerly Invitae), Labcorp
Classification: Uncertain significance. Last evaluated: 2025-08-29. Review status: criteria provided, single submitter. Criteria: Invitae Variant Classification Sherloc (09022015). Collection method: clinical testing. Allele origin: germline.
Comment: This sequence change creates a premature translational stop signal (p.Gly142Valfs*12) in the ALPK3 gene. It is unclear whether it will result in an absent or disrupted protein product because an in-frame methionine located at codon 203 has the potential to rescue this truncating variant. This variant is not present in population databases (gnomAD no frequency). This variant has not been reported in the literature in individuals affected with ALPK3-related conditions. ClinVar contains an entry for this variant (Variation ID: 1363928). In summary, the available evidence is currently insufficient to determine the role of this variant in disease. Therefore, it has been classified as a Variant of Uncertain Significance.

NC_000015.10:g.84817271del

Gene: ALPK3 (alpha kinase 3; plus strand). Cytogenetic location: 15q25.3.
Variant type: Deletion.
Genome position: GRCh38 VCF-style: chr15-84817268-CG-C. GRCh37 (hg19) VCF-style: chr15-85360499-CG-C.
Identifiers: ClinVar variation 1363928 (VCV001363928.8), dbSNP rs2141541923, ClinGen allele CA2573151292.